The following is an entry in ClinVar:

NM_006767.4(LZTR1):c.321-15_321-14del

Gene: LZTR1 (leucine zipper like post translational regulator 1; plus strand). Cytogenetic location: 22q11.21.
Variant type: Deletion.
Coding change: c.321-15_321-14del on transcript NM_006767.4 (MANE Select); 15 bases into the intron before coding-DNA position 321 through 14 bases into the intron before coding-DNA position 321, 2 bases deleted (CT; older notation c.321-15_321-14delCT).
Molecular consequence: intron variant.
Genome position (GRCh38, 1-based): chr22:20,987,489-20,987,490, CT deleted. VCF-style (leftmost placement, unchanged base first): chr22-20987488-CCT-C. GRCh37 (hg19) VCF-style: chr22-21341777-CCT-C.
Other names: c.321-15_321-14delCT (NM_006767.4).
Identifiers: ClinVar variation 1664083 (VCV001664083.10), dbSNP rs780862574, ClinGen allele CA10118374.

ClinVar aggregate classification (germline): Likely benign. Review status: criteria provided, multiple submitters, no conflicts (2 of 4 stars). 2 submissions from 2 submitters: Likely benign (2). Last evaluated 2025-12-30.

Allele frequency attached by ClinVar (database versions not stated): gnomAD 0.00001; gnomAD exomes 0.00002 and 0.00004; ExAC 0.00003; TOPMed 0.00003.

Submissions (2):

Labcorp Genetics (formerly Invitae), Labcorp
Classification: Likely benign. Last evaluated: 2025-12-30. Review status: criteria provided, single submitter. Criteria: Invitae Variant Classification Sherloc (09022015). Collection method: clinical testing. Allele origin: germline.

Women's Health and Genetics/Laboratory Corporation of America, LabCorp
Classification: Likely benign. Last evaluated: 2025-01-17. Review status: criteria provided, single submitter. Criteria: LabCorp Variant Classification Summary - May 2015. Collection method: clinical testing. Allele origin: germline.
Comment: Variant summary: LZTR1 c.321-15_321-14delCT alters nucleotides located at a position not widely known to affect splicing. Consensus agreement among computation tools predict no significant impact on normal splicing. However, these predictions have yet to be confirmed by functional studies. The variant allele was found at a frequency of 4e-05 in 248876 control chromosomes. This frequency is not significantly higher than estimated for a pathogenic variant in LZTR1 causing Noonan Syndrome 2 (4e-05 vs 0.0032), allowing no conclusion about variant significance. To our knowledge, no occurrence of c.321-15_321-14delCT in individuals affected with LZTR1-related conditions and no experimental evidence demonstrating its impact on protein function have been reported. ClinVar contains an entry for this variant (Variation ID: 1664083). Based on the evidence outlined above, the variant was classified as likely benign.